The following is an entry in ClinVar:

ClinVar aggregate classification (germline): Uncertain significance (1 of 4 stars; one submission).

Conditions:
Familial adenomatous polyposis 1 (FAP1). Also called: FAMILIAL ADENOMATOUS POLYPOSIS 1, ATTENUATED; POLYPOSIS, ADENOMATOUS INTESTINAL. Identifiers: MedGen C2713442, MONDO:0021056, OMIM 175100. Disease mechanism: loss of function.

Submission:

Labcorp Genetics (formerly Invitae), Labcorp
Classification: Uncertain significance for Familial adenomatous polyposis 1. Last evaluated: 2021-11-08. Review status: criteria provided, single submitter. Criteria: Invitae Variant Classification Sherloc (09022015). Collection method: clinical testing. Allele origin: germline.
Comment: This variant is not present in population databases (gnomAD no frequency). In summary, the available evidence is currently insufficient to determine the role of this variant in disease. Therefore, it has been classified as a Variant of Uncertain Significance. Experimental studies and prediction algorithms are not available or were not evaluated, and the functional significance of this variant is currently unknown. This variant has not been reported in the literature in individuals affected with APC-related conditions. This variant occurs in a non-coding region of the APC gene. It does not change the encoded amino acid sequence of the APC protein.

NM_001127511.3(APC):c.45T>C (p.Ala15=)

Gene: APC (APC regulator of Wnt signaling pathway; plus strand). Cytogenetic location: 5q22.2.
Variant type: single nucleotide variant.
Coding change: c.45T>C on transcript NM_001127511.3; coding-DNA position 45, T replaced by C.
Protein change: p.Ala15=; no amino-acid change (alanine 15 retained).
Molecular consequence: synonymous variant. On other transcripts: 5 prime UTR variant (8), non-coding transcript variant (1), intron variant (5).
Genome position (GRCh38, 1-based): chr5:112,707,762, T>C. VCF-style: chr5-112707762-T-C. GRCh37 (hg19) VCF-style: chr5-112043459-T-C.
Other names: c.-139T>C (NM_001354895.2, NM_001407447.1, NM_001407452.1 and 3 more transcripts); c.45T>C, p.Ala15= (NM_001354897.2, NM_001354902.2, NM_001407446.1); c.-1174T>C (NM_001407470.1, NM_001407472.1); c.-19+113T>C (NM_001407448.1, NM_001407450.1, NM_001407457.1 and 1 more transcripts); c.-43+113T>C (NM_001407453.1).
Identifiers: ClinVar variation 1487564 (VCV001487564.7), dbSNP rs1750605972, ClinGen allele CA1573442706.